The following is an entry in ClinVar:

ClinVar aggregate classification (germline): Benign. Review status: criteria provided, multiple submitters, no conflicts (2 of 4 stars). 4 submissions from 4 submitters: Benign (3). 1 of the submissions does not count toward it. Last evaluated 2026-01-19.

Conditions:
Dihydropyrimidinase deficiency (DPYSD). Also called: DPH DEFICIENCY; DPYS DEFICIENCY; dihydropyrimidinuria. Identifiers: Orphanet 38874, MedGen C0342803, MONDO:0009111, OMIM 222748.

Allele frequency attached by ClinVar (database versions not stated): gnomAD exomes 0.00113 and 0.00211; ExAC 0.00228; gnomAD 0.00433 and 0.00444; ESP Exome Variant Server 0.00469; TOPMed 0.00497; 1000 Genomes Project 30x 0.00625; 1000 Genomes Project 0.00679.
gnomAD v4.1: 2,397 of 1,613,956 alleles (0.15%); highest among the groups gnomAD compares: African/African-American, 1.2%; 12 homozygotes.

Submissions (4):

Labcorp Genetics (formerly Invitae), Labcorp
Classification: Benign. Last evaluated: 2026-01-19. Review status: criteria provided, single submitter. Criteria: Invitae Variant Classification Sherloc (09022015). Collection method: clinical testing. Allele origin: germline.

Illumina Laboratory Services, Illumina
Classification: Benign for Dihydropyrimidinase deficiency. Last evaluated: 2018-01-13. Review status: criteria provided, single submitter. Criteria: ICSL Variant Classification Criteria 13 December 2019. Collection method: clinical testing. Allele origin: germline.
Comment: This variant was observed in the ICSL laboratory as part of a predisposition screen in an ostensibly healthy population. It had not been previously curated by ICSL or reported in the Human Gene Mutation Database (HGMD: prior to June 1st, 2018), and was therefore a candidate for classification through an automated scoring system. Utilizing variant allele frequency, disease prevalence and penetrance estimates, and inheritance mode, an automated score was calculated to assess if this variant is too frequent to cause the disease. Based on the score and internal cut-off values, a variant classified as benign is not then subjected to further curation. The score for this variant resulted in a classification of benign for this disease.

Breakthrough Genomics
Classification: Benign. Review status: criteria provided, single submitter. Criteria: ACMG Guidelines, 2015. Collection method: not provided. Allele origin: germline. Inheritance: Autosomal recessive inheritance. Affected: yes.

Diasio Lab,  Mayo Clinic
No classification provided. Review status: no classification provided. Collection method: not provided. Allele origin: unknown. Not counted in ClinVar's aggregate classification.

NM_001385.3(DPYS):c.1092+9C>T

Gene: DPYS (dihydropyrimidinase; minus strand). Cytogenetic location: 8q22.3.
Variant type: single nucleotide variant.
Coding change: c.1092+9C>T on transcript NM_001385.3 (MANE Select); 9 bases into the intron after coding-DNA position 1092, C replaced by T.
Molecular consequence: intron variant.
Genome position (GRCh38, 1-based): chr8:104,427,971, G>A on the plus strand (C>T on the coding strand, the complement: DPYS is on the minus strand). VCF-style: chr8-104427971-G-A. GRCh37 (hg19) VCF-style: chr8-105440199-G-A.
Identifiers: ClinVar variation 100137 (VCV000100137.16), dbSNP rs138453168, ClinGen allele CA228208.